The following is an entry in ClinVar:

NM_024580.6(EFL1):c.1753dup (p.Ile585fs)

Gene: EFL1 (elongation factor like GTPase 1; minus strand). Cytogenetic location: 15q25.2.
Variant type: Duplication.
Coding change: c.1753dup on transcript NM_024580.6 (MANE Select); coding-DNA position 1753, one base duplicated (A; older notation c.1753dupA).
Protein change: p.Ile585fs; shifts the reading frame from isoleucine 585.
Molecular consequence: frameshift variant. On other transcripts: non-coding transcript variant (1).
Genome position (GRCh38, 1-based): chr15:82,163,982, T duplicated on the plus strand (A on the coding strand, the reverse complement: EFL1 is on the minus strand); the first of 2 consecutive T bases (chr15:82,163,982-82,163,983); duplicating either gives the same sequence. VCF-style (leftmost placement, unchanged base first): chr15-82163981-A-AT. GRCh37 (hg19) VCF-style: chr15-82456322-A-AT.
Other names: c.1600dup, p.Ile534fs (NM_001040610.3); c.964dup, p.Ile322fs (NM_001322844.2); c.1753dup, p.Ile585fs (NM_001322845.2); short protein forms I322fs, I534fs, I585fs.
Identifiers: ClinVar variation 1520560 (VCV001520560.6), dbSNP rs2141242723, ClinGen allele CA2573151220.
Genomic context (GRCh38, chr15:82,163,981, plus strand): 5'-GGGCAGGATGGCAGGCTACACAGTGTTGCAGATTTCAGCACAAAATCTTGAAGGCCTCCT[A>AT]TTCCTGTAGGAAGAAAAGATCCATACGGTCAATAAGGGATGATAAATTCTGAATTTATGT-3'

ClinVar aggregate classification (germline): Uncertain significance (1 of 4 stars; one submission).

Submission:

Labcorp Genetics (formerly Invitae), Labcorp
Classification: Uncertain significance. Last evaluated: 2021-04-06. Review status: criteria provided, single submitter. Criteria: Invitae Variant Classification Sherloc (09022015). Collection method: clinical testing. Allele origin: germline.
Comment: This sequence change creates a premature translational stop signal (p.Ile585Asnfs*16) in the EFL1 gene. It is expected to result in an absent or disrupted protein product. However, the current clinical and genetic evidence is not sufficient to establish whether loss-of-function variants in EFL1 cause disease. This variant is not present in population databases (ExAC no frequency). This variant has not been reported in the literature in individuals with EFL1-related conditions. In summary, the available evidence is currently insufficient to determine the role of this variant in disease. Therefore, it has been classified as a Variant of Uncertain Significance.